The following is an entry in ClinVar:

NM_000540.3(RYR1):c.5509_5510del (p.Gln1837fs)

Gene: RYR1 (ryanodine receptor 1; plus strand). Cytogenetic location: 19q13.2.
Variant type: Deletion.
Coding change: c.5509_5510del on transcript NM_000540.3 (MANE Select); coding-DNA positions 5509 to 5510, 2 bases deleted (CA; older notation c.5509_5510delCA).
Protein change: p.Gln1837fs; shifts the reading frame from glutamine 1837.
Molecular consequence: frameshift variant.
Genome position (GRCh38, 1-based): chr19:38,486,164-38,486,165, CA deleted. VCF-style (leftmost placement, unchanged base first): chr19-38486163-CCA-C. GRCh37 (hg19) VCF-style: chr19-38976803-CCA-C.
Other names: c.5509_5510del, p.Gln1837fs (NM_001042723.2); c.5509_5510delCA (NM_000540.2); short protein forms Q1837fs.
Identifiers: ClinVar variation 524015 (VCV000524015.2), dbSNP rs1555779450, ClinGen allele CA658799199.

ClinVar aggregate classification (germline): Likely pathogenic (1 of 4 stars; one submission).

Allele frequency attached by ClinVar (database versions not stated): gnomAD exomes below 0.00001.

Submission:

GeneDx
Classification: Likely pathogenic. Last evaluated: 2018-03-22. Review status: criteria provided, single submitter. Criteria: GeneDx Variant Classification (06012015). Collection method: clinical testing. Allele origin: germline. Affected: yes.
Comment: The c.5509_5510delCA variant in the RYR1 gene has not been reported previously as a pathogenic variant nor as a benign variant, to our knowledge. The c.5509_5510delCA variant causes a frameshift starting with codon Glutamine 1837, changes this amino acid to a Valine residue, and creates a premature Stop codon at position 20 of the new reading frame, denoted p.Gln1837ValfsX20. This variant is predicted to cause loss of normal protein function either through protein truncation or nonsense-mediated mRNA decay. The c.5509_5510delCA variant is not observed in large population cohorts (Lek et al., 2016). We interpret c.5509_5510delCA as a likely pathogenic variant.